The following is an entry in ClinVar:

GRCh38/hg38 16q24.3(chr16:89321705-89368190)x1

Genes: ANKRD11 (ankyrin repeat domain containing 11; minus strand), LOC100287036 (uncharacterized LOC100287036; plus strand), LOC126862448 (CDK7 strongly-dependent group 2 enhancer GRCh37_chr16:89389210-89390409; plus strand), LOC126862449 (BRD4-independent group 4 enhancer GRCh37_chr16:89392122-89393321; plus strand), LOC126862450 (BRD4-independent group 4 enhancer GRCh37_chr16:89427458-89428657; plus strand) and 7 more. Cytogenetic location: 16q24.3.
Variant type: copy number loss.
Change: copy number 1 (one copy instead of two) of chr16:89,321,705-89,368,190 (46.5 kb, GRCh38 coordinates, 1-based), cytogenetic band 16q24.3.
Identifiers: ClinVar variation 152195 (VCV000152195.3).

ClinVar aggregate classification (germline): Uncertain significance (0 of 4 stars; one submission).

Submission:

ISCA site 1
Classification: Uncertain significance. Last evaluated: 2018-02-16. Review status: no assertion criteria provided. Collection method: clinical testing. Allele origin: maternal. Affected: yes. Observed: 1 variant allele.
Comment: Only includes noncoding exons.

Copy number variation identified through the course of routine clinical cytogenomic testing in postnatal populations, with clinical assertions as classified by the original submitter. For data from the original published study, Kaminsky, et al. 2011 (PubMed 21844811), please see nstd101.